The following is an entry in ClinVar:

NM_015450.3(POT1):c.1272G>A (p.Trp424Ter)

Gene: POT1 (protection of telomeres 1; minus strand). Cytogenetic location: 7q31.33.
Variant type: single nucleotide variant.
Coding change: c.1272G>A on transcript NM_015450.3 (MANE Select); coding-DNA position 1272, G replaced by A.
Protein change: p.Trp424Ter; replaces tryptophan 424 with a stop codon.
Molecular consequence: nonsense. On other transcripts: non-coding transcript variant (3).
Genome position (GRCh38, 1-based): chr7:124,841,070, C>T on the plus strand (G>A on the coding strand, the complement: POT1 is on the minus strand). VCF-style: chr7-124841070-C-T. GRCh37 (hg19) VCF-style: chr7-124481124-C-T.
Other names: c.879G>A, p.Trp293Ter (NM_001042594.2); short protein forms W293*, W424*.
Identifiers: ClinVar variation 1454851 (VCV001454851.6), dbSNP rs2116461581, ClinGen allele CA369067207.

ClinVar aggregate classification (germline): Pathogenic (1 of 4 stars; one submission).

Conditions:
Tumor predisposition syndrome 3 (TPDS3). Also called: LONG TELOMERE SYNDROME, POT1-RELATED; POT1 Tumor Predisposition; Glioma susceptibility 9; Melanoma, cutaneous malignant, susceptibility to, 10. Identifiers: Orphanet 618, MedGen C4014476, MONDO:0014368, OMIM 615848.

Allele frequency attached by ClinVar (database versions not stated): gnomAD exomes below 0.00001.
gnomAD v4.1: 3 of 1,612,490 alleles (0.00019%); highest among the groups gnomAD compares: South Asian, 0.0022%; no homozygotes.

Submission:

Labcorp Genetics (formerly Invitae), Labcorp
Classification: Pathogenic for Tumor predisposition syndrome 3. Last evaluated: 2025-07-14. Review status: criteria provided, single submitter. Criteria: Invitae Variant Classification Sherloc (09022015). Collection method: clinical testing. Allele origin: germline.
Comment: This sequence change creates a premature translational stop signal (p.Trp424*) in the POT1 gene. It is expected to result in an absent or disrupted protein product. Loss-of-function variants in POT1 are known to be pathogenic (PMID: 32155570). This variant is not present in population databases (gnomAD no frequency). This variant has not been reported in the literature in individuals affected with POT1-related conditions. ClinVar contains an entry for this variant (Variation ID: 1454851). Algorithms developed to predict the effect of sequence changes on RNA splicing suggest that this variant may disrupt the consensus splice site. For these reasons, this variant has been classified as Pathogenic.

Literature cited by the submitters: PubMed 32155570.